The following is an entry in ClinVar:

NM_172107.4(KCNQ2):c.1425C>A (p.Asp475Glu)

Gene: KCNQ2 (potassium voltage-gated channel subfamily Q member 2; minus strand). Cytogenetic location: 20q13.33.
Variant type: single nucleotide variant.
Coding change: c.1425C>A on transcript NM_172107.4 (MANE Select); coding-DNA position 1425, C replaced by A.
Protein change: p.Asp475Glu; replaces aspartic acid 475 with glutamic acid.
Molecular consequence: missense variant.
Genome position (GRCh38, 1-based): chr20:63,415,003, G>T on the plus strand (C>A on the coding strand, the complement: KCNQ2 is on the minus strand). VCF-style: chr20-63415003-G-T. GRCh37 (hg19) VCF-style: chr20-62046356-G-T.
Other names: c.1371C>A, p.Asp457Glu (NM_001382235.1, NM_172106.3); c.1341C>A, p.Asp447Glu (NM_004518.6); c.1335C>A, p.Asp445Glu (NM_172108.5); short protein forms D445E, D447E, D457E, D475E.
Identifiers: ClinVar variation 2717516 (VCV002717516.3), dbSNP rs1043940193, ClinGen allele CA317431033.

ClinVar aggregate classification (germline): Uncertain significance (1 of 4 stars; one submission).

Conditions:
Early-infantile DEE. Also called: Early infantile epileptic encephalopathy with suppression bursts; Early infantile epileptic encephalopathy; Ohtahara syndrome. Identifiers: Orphanet 1934, MedGen C0393706, MONDO:0800491.

Allele frequency attached by ClinVar (database versions not stated): TOPMed 0.00003.

Submission:

Labcorp Genetics (formerly Invitae), Labcorp
Classification: Uncertain significance for Early-infantile DEE. Last evaluated: 2023-06-10. Review status: criteria provided, single submitter. Criteria: Invitae Variant Classification Sherloc (09022015). Collection method: clinical testing. Allele origin: germline.
Comment: This variant has not been reported in the literature in individuals affected with KCNQ2-related conditions. This variant is not present in population databases (gnomAD no frequency). This sequence change replaces aspartic acid, which is acidic and polar, with glutamic acid, which is acidic and polar, at codon 475 of the KCNQ2 protein (p.Asp475Glu). An algorithm developed to predict the effect of missense changes on protein structure and function (PolyPhen-2) suggests that this variant is likely to be tolerated. In summary, the available evidence is currently insufficient to determine the role of this variant in disease. Therefore, it has been classified as a Variant of Uncertain Significance.